The following is an entry in ClinVar:

NM_001083619.3(GRIA2):c.2326G>C (p.Glu776Gln)

Gene: GRIA2 (glutamate ionotropic receptor AMPA type subunit 2; plus strand). Cytogenetic location: 4q32.1.
Variant type: single nucleotide variant.
Coding change: c.2326G>C on transcript NM_001083619.3 (MANE Select); coding-DNA position 2326, G replaced by C.
Protein change: p.Glu776Gln; replaces glutamic acid 776 with glutamine.
Molecular consequence: missense variant. On other transcripts: intron variant (3).
Genome position (GRCh38, 1-based): chr4:157,361,044, G>C. VCF-style: chr4-157361044-G-C. GRCh37 (hg19) VCF-style: chr4-158282196-G-C.
Other names: c.2185G>C, p.Glu729Gln (NM_001379000.3); c.2151-494G>C (NM_001379001.3, NM_001083620.3); c.2292-494G>C (NM_000826.6); short protein forms E729Q, E776Q.
Identifiers: ClinVar variation 3349706 (VCV003349706.1).

ClinVar aggregate classification (germline): Likely pathogenic (0 of 4 stars; one submission).

Conditions:
GRIA2-related disorder. Also called: GRIA2-related condition.

Submission:

PreventionGenetics, part of Exact Sciences
Classification: Likely pathogenic for GRIA2-related condition. Last evaluated: 2024-04-29. Review status: no assertion criteria provided. Collection method: clinical testing. Allele origin: germline.
Comment: The GRIA2 c.2326G>C variant is predicted to result in the amino acid substitution p.Glu776Gln. To our knowledge, this variant has not been reported in the literature or in a large population database, indicating this variant is rare. This variant is interpreted as likely pathogenic.